The following is an entry in ClinVar:

ClinVar aggregate classification (germline): Benign (1 of 4 stars; one submission).

gnomAD v4.1: 668 of 1,614,170 alleles (0.041%); highest among the groups gnomAD compares: African/African-American, 0.77%; 6 homozygotes.

Submission:

Women's Health and Genetics/Laboratory Corporation of America, LabCorp
Classification: Benign. Last evaluated: 2026-05-14. Review status: criteria provided, single submitter. Criteria: LabCorp Variant Classification Summary - May 2015. Collection method: clinical testing. Allele origin: germline.
Comment: Variant summary: ADAMTSL2 c.-8T>C is located in the untranslated mRNA region upstream of the initiation codon. The variant allele was found at a frequency of 0.00057 in 251374 control chromosomes, predominantly at a frequency of 0.0073 within the African or African-American subpopulation in the gnomAD database, including 1 homozygotes. The observed variant frequency within African or African-American control individuals in the gnomAD database exceeds the estimated maximal expected allele frequency for disease-causing variants in ADAMTSL2. To our knowledge, no occurrence of c.-8T>C in individuals affected with ADAMTSL2-related conditions and no experimental evidence demonstrating its impact on protein function have been reported. No submitters have cited clinical-significance assessments for this variant to ClinVar. Based on the evidence outlined above, the variant was classified as benign.

NM_014694.4(ADAMTSL2):c.-8T>C

Gene: ADAMTSL2 (ADAMTS like 2; plus strand). Cytogenetic location: 9q34.2.
Variant type: single nucleotide variant.
Coding change: c.-8T>C on transcript NM_014694.4 (MANE Select); 8 bases upstream of the start codon, T replaced by C.
Molecular consequence: 5 prime UTR variant.
Genome position (GRCh38, 1-based): chr9:133,536,705, T>C. VCF-style: chr9-133536705-T-C. GRCh37 (hg19) VCF-style: chr9-136401827-T-C.
Other names: c.-8T>C (NM_001145320.2).
Identifiers: ClinVar variation 4853076 (VCV004853076.1).